The following is an entry in ClinVar:

ClinVar aggregate classification (germline): Uncertain significance (1 of 4 stars; one submission).

Conditions:
Familial hemophagocytic lymphohistiocytosis 3 (FHL3). Also called: UNC13D-Related Familial Hemophagocytic Lymphohistiocytosis (UNC13D-fHLH). Identifiers: Orphanet 540, MedGen C1837174, MONDO:0012146, OMIM 608898.

Submission:

Labcorp Genetics (formerly Invitae), Labcorp
Classification: Uncertain significance for Familial hemophagocytic lymphohistiocytosis 3. Last evaluated: 2022-03-18. Review status: criteria provided, single submitter. Criteria: Invitae Variant Classification Sherloc (09022015). Collection method: clinical testing. Allele origin: germline.
Comment: This sequence change replaces leucine, which is neutral and non-polar, with proline, which is neutral and non-polar, at codon 841 of the UNC13D protein (p.Leu841Pro). This variant is not present in population databases (gnomAD no frequency). This variant has not been reported in the literature in individuals affected with UNC13D-related conditions. Algorithms developed to predict the effect of missense changes on protein structure and function are either unavailable or do not agree on the potential impact of this missense change (SIFT: "Not Available"; PolyPhen-2: "Possibly Damaging"; Align-GVGD: "Not Available"). In summary, the available evidence is currently insufficient to determine the role of this variant in disease. Therefore, it has been classified as a Variant of Uncertain Significance.

NM_199242.3(UNC13D):c.2522T>C (p.Leu841Pro)

Gene: UNC13D (unc-13 homolog D; minus strand). Cytogenetic location: 17q25.1.
Variant type: single nucleotide variant.
Coding change: c.2522T>C on transcript NM_199242.3 (MANE Select); coding-DNA position 2522, T replaced by C.
Protein change: p.Leu841Pro; replaces leucine 841 with proline.
Molecular consequence: missense variant.
Genome position (GRCh38, 1-based): chr17:75,831,274, A>G on the plus strand (T>C on the coding strand, the complement: UNC13D is on the minus strand). VCF-style: chr17-75831274-A-G. GRCh37 (hg19) VCF-style: chr17-73827355-A-G.
Other names: short protein forms L841P.
Identifiers: ClinVar variation 2114001 (VCV002114001.1), dbSNP rs2545977730, ClinGen allele CA401082146.